The following is an entry in ClinVar:

ClinVar aggregate classification (germline): Likely pathogenic (1 of 4 stars; one submission).

Submission:

Mayo Clinic Laboratories, Mayo Clinic
Classification: Likely pathogenic. Last evaluated: 2023-02-27. Review status: criteria provided, single submitter. Criteria: ACMG Guidelines, 2015. Collection method: clinical testing. Allele origin: germline. Observed: 1 variant allele.
Comment: PM2, PVS1

NM_207111.4(RNF216):c.345_351del (p.Asn116fs)

Gene: RNF216 (ring finger protein 216; minus strand). Cytogenetic location: 7p22.1.
Variant type: Deletion.
Coding change: c.345_351del on transcript NM_207111.4 (MANE Select); coding-DNA positions 345 to 351, 7 bases deleted (CAACCCA; older notation c.345_351delCAACCCA).
Protein change: p.Asn116fs; shifts the reading frame from asparagine 116.
Molecular consequence: frameshift variant. On other transcripts: intron variant (2).
Genome position (GRCh38, 1-based): chr7:5,741,666-5,741,672, TGGGTTG deleted on the plus strand (CAACCCA on the coding strand, the reverse complement: RNF216 is on the minus strand); deleting any 7 consecutive bases within chr7:5,741,666-5,741,673 gives the same sequence; the c. name uses the placement nearest the transcript's 3' end. VCF-style (leftmost placement, unchanged base first): chr7-5741665-ATGGGTTG-A. GRCh37 (hg19) VCF-style: chr7-5781296-ATGGGTTG-A.
Other names: p.Asn116Cysfs*95; c.202-28_202-22del (NM_207116.3, NM_001377156.1); short protein forms N116fs.
Identifiers: ClinVar variation 2682870 (VCV002682870.1), dbSNP rs1420326474, ClinGen allele CA572822350.